The following is an entry in ClinVar:

NM_001626.6(AKT2):c.709-3C>T

Gene: AKT2 (AKT serine/threonine kinase 2; minus strand). Cytogenetic location: 19q13.2.
Variant type: single nucleotide variant.
Coding change: c.709-3C>T on transcript NM_001626.6 (MANE Select); 3 bases into the intron before coding-DNA position 709, C replaced by T.
Molecular consequence: intron variant.
Genome position (GRCh38, 1-based): chr19:40,238,094, G>A on the plus strand (C>T on the coding strand, the complement: AKT2 is on the minus strand). VCF-style: chr19-40238094-G-A. GRCh37 (hg19) VCF-style: chr19-40744001-G-A.
Other names: c.523-3C>T (NM_001243028.3, NM_001243027.3); c.709-3C>T (NM_001330511.1).
Identifiers: ClinVar variation 2045863 (VCV002045863.4), dbSNP rs370790932, ClinGen allele CA633104204.

ClinVar aggregate classification (germline): Uncertain significance (1 of 4 stars; one submission).

Conditions:
Type 2 diabetes mellitus. Also called: Type II diabetes mellitus. Identifiers: MedGen C0011860, MeSH D003924, MONDO:0005148, OMIM 125853, HP:0005978.
Hypoinsulinemic hypoglycemia and body hemihypertrophy. Also called: Hypoinsulinemic hypoglycemia and hemihypertrophy. Identifiers: Orphanet 293964, MedGen C3278384, MONDO:0009416, OMIM 240900.

gnomAD v4.1: 56 of 1,592,190 alleles (0.0035%); highest among the groups gnomAD compares: Non-Finnish European, 0.0046%; no homozygotes.

Submission:

Labcorp Genetics (formerly Invitae), Labcorp
Classification: Uncertain significance for Hypoinsulinemic hypoglycemia and body hemihypertrophy; Type 2 diabetes mellitus. Last evaluated: 2022-09-06. Review status: criteria provided, single submitter. Criteria: Invitae Variant Classification Sherloc (09022015). Collection method: clinical testing. Allele origin: germline.
Comment: In summary, the available evidence is currently insufficient to determine the role of this variant in disease. Therefore, it has been classified as a Variant of Uncertain Significance. Variants that disrupt the consensus splice site are a relatively common cause of aberrant splicing (PMID: 17576681, 9536098). Algorithms developed to predict the effect of sequence changes on RNA splicing suggest that this variant is not likely to affect RNA splicing. This variant has not been reported in the literature in individuals affected with AKT2-related conditions. This variant is present in population databases (no rsID available, gnomAD 0.0009%). This sequence change falls in intron 8 of the AKT2 gene. It does not directly change the encoded amino acid sequence of the AKT2 protein. It affects a nucleotide within the consensus splice site.

Literature cited by the submitters: PubMed 17576681; PubMed 9536098.